The following is an entry in ClinVar:

ClinVar aggregate classification (germline): Conflicting classifications of pathogenicity. Review status: criteria provided, conflicting classifications (1 of 4 stars). 2 submissions from 2 submitters: Uncertain significance (1); Benign (1). Last evaluated 2026-02-01.

Conditions:
Pigmentary pallidal degeneration (NBIA1). Also called: Pantothenate Kinase-Associated Neurodegeneration; Neuroaxonal dystrophy, late infantile; Hallervorden-Spatz disease; PKAN NEUROAXONAL DYSTROPHY, JUVENILE-ONSET; Neurodegeneration with brain iron accumulation 1; HARP SYNDROME. Identifiers: Orphanet 157850, MedGen C0018523, MONDO:0009319, OMIM 234200.

Allele frequency attached by ClinVar (database versions not stated): gnomAD 0.00001; TOPMed 0.00001.
gnomAD v4.1: 5 of 1,549,906 alleles (0.00032%); highest among the groups gnomAD compares: East Asian, 0.0024%; no homozygotes.

Submissions (2):

Egypt Genome Project
Classification: Benign for Pigmentary pallidal degeneration. Last evaluated: 2026-02-01. Review status: criteria provided, single submitter. Criteria: ACMG Guidelines, 2015. Collection method: research. Allele origin: germline. Affected: yes.
Comment: The NM_153638.3 c.350G>A is classified as Benign based on the AMCG/AMP criteria (BA1, PM3-supporting, BP4)

Labcorp Genetics (formerly Invitae), Labcorp
Classification: Uncertain significance for Pigmentary pallidal degeneration. Last evaluated: 2022-06-13. Review status: criteria provided, single submitter. Criteria: Invitae Variant Classification Sherloc (09022015). Collection method: clinical testing. Allele origin: germline.
Comment: This sequence change replaces arginine, which is basic and polar, with glutamine, which is neutral and polar, at codon 117 of the PANK2 protein (p.Arg117Gln). The frequency data for this variant in the population databases is considered unreliable, as metrics indicate poor data quality at this position in the gnomAD database. This variant has not been reported in the literature in individuals affected with PANK2-related conditions. ClinVar contains an entry for this variant (Variation ID: 1019796). Algorithms developed to predict the effect of missense changes on protein structure and function are either unavailable or do not agree on the potential impact of this missense change (SIFT: "Deleterious"; PolyPhen-2: "Possibly Damaging"; Align-GVGD: "Class C0"). Algorithms developed to predict the effect of sequence changes on RNA splicing suggest that this variant may create or strengthen a splice site. In summary, the available evidence is currently insufficient to determine the role of this variant in disease. Therefore, it has been classified as a Variant of Uncertain Significance.

NM_001386393.1(PANK2):c.20G>A (p.Arg7Gln)

Genes: PANK2 (pantothenate kinase 2; plus strand), LOC130065345 (ATAC-STARR-seq lymphoblastoid silent region 12635; plus strand). Cytogenetic location: 20p13.
Variant type: single nucleotide variant.
Coding change: c.20G>A on transcript NM_001386393.1 (MANE Select); coding-DNA position 20, G replaced by A.
Protein change: p.Arg7Gln; replaces arginine 7 with glutamine.
Molecular consequence: missense variant. On other transcripts: 5 prime UTR variant (1), non-coding transcript variant (1), intron variant (1).
Genome position (GRCh38, 1-based): chr20:3,889,450, G>A. VCF-style: chr20-3889450-G-A. GRCh37 (hg19) VCF-style: chr20-3870097-G-A.
Other names: c.350G>A (NM_153638.3); c.-692G>A (NM_001324191.2); c.350G>A, p.Arg117Gln (NM_001324192.1, NM_153638.4); c.-246+546G>A (NM_024960.6); short protein forms R117Q, R7Q.
Identifiers: ClinVar variation 1019796 (VCV001019796.7), dbSNP rs911560228, ClinGen allele CA311088791.